The following is an entry in ClinVar:

ClinVar aggregate classification (germline): Uncertain significance (1 of 4 stars; one submission).

Allele frequency attached by ClinVar (database versions not stated): gnomAD 0.00001; TOPMed 0.00001.
gnomAD v4.1: 2 of 1,587,938 alleles (0.00013%); highest among the groups gnomAD compares: Admixed American, 0.0018%; no homozygotes.

Submission:

Labcorp Genetics (formerly Invitae), Labcorp
Classification: Uncertain significance. Last evaluated: 2022-02-18. Review status: criteria provided, single submitter. Criteria: Invitae Variant Classification Sherloc (09022015). Collection method: clinical testing. Allele origin: germline.
Comment: In summary, the available evidence is currently insufficient to determine the role of this variant in disease. Therefore, it has been classified as a Variant of Uncertain Significance. Algorithms developed to predict the effect of missense changes on protein structure and function output the following: SIFT: "Not Available"; PolyPhen-2: "Benign"; Align-GVGD: "Not Available". The serine amino acid residue is found in multiple mammalian species, which suggests that this missense change does not adversely affect protein function. This variant has not been reported in the literature in individuals affected with MYO18B-related conditions. This variant is not present in population databases (gnomAD no frequency). This sequence change replaces proline, which is neutral and non-polar, with serine, which is neutral and polar, at codon 268 of the MYO18B protein (p.Pro268Ser).

NM_032608.7(MYO18B):c.802C>T (p.Pro268Ser)

Gene: MYO18B (myosin XVIIIB; plus strand). Cytogenetic location: 22q12.1.
Variant type: single nucleotide variant.
Coding change: c.802C>T on transcript NM_032608.7 (MANE Select); coding-DNA position 802, C replaced by T.
Protein change: p.Pro268Ser; replaces proline 268 with serine.
Molecular consequence: missense variant.
Genome position (GRCh38, 1-based): chr22:25,768,718, C>T. VCF-style: chr22-25768718-C-T. GRCh37 (hg19) VCF-style: chr22-26164685-C-T.
Other names: c.802C>T, p.Pro268Ser (NM_001318245.2); short protein forms P268S.
Identifiers: ClinVar variation 2136608 (VCV002136608.4), dbSNP rs998625137, ClinGen allele CA322779287.